The following is an entry in ClinVar:

NM_025099.6(CTC1):c.2249C>A (p.Pro750Gln)

Gene: CTC1 (CST telomere replication complex component 1; minus strand). Cytogenetic location: 17p13.1.
Variant type: single nucleotide variant.
Coding change: c.2249C>A on transcript NM_025099.6 (MANE Select); coding-DNA position 2249, C replaced by A.
Protein change: p.Pro750Gln; replaces proline 750 with glutamine.
Molecular consequence: missense variant. On other transcripts: non-coding transcript variant (1).
Genome position (GRCh38, 1-based): chr17:8,232,039, G>T on the plus strand (C>A on the coding strand, the complement: CTC1 is on the minus strand). VCF-style: chr17-8232039-G-T. GRCh37 (hg19) VCF-style: chr17-8135357-G-T.
Other names: short protein forms P750Q.
Identifiers: ClinVar variation 1010366 (VCV001010366.8), dbSNP rs1417430299, ClinGen allele CA397977981.
Genomic context (GRCh38, chr17:8,232,039, plus strand): 5'-AGCCAGCTCCCCAACACATAGAAACTGAGGGCGGGCTTGGGCACCTCTGGACTTGCTCCT[G>T]GGGGGACACAAAAATTACGCTTCATGAGGGCCTCCTTGTGGCAGAGCAAGAAGAGCCGGC-3'
Protein context (NP_079375.3, residues 740-760): ALMKRNFCVP[Pro750Gln]GASPEVPKPA

ClinVar aggregate classification (germline): Uncertain significance (1 of 4 stars; one submission).

Conditions:
Dyskeratosis congenita. Identifiers: Orphanet 1775, MedGen C0265965, MONDO:0015780.

Allele frequency attached by ClinVar (database versions not stated): gnomAD exomes below 0.00001; gnomAD 0.00001.
gnomAD v4.1: 3 of 1,577,810 alleles (0.00019%); highest among the groups gnomAD compares: East Asian, 0.0022%; no homozygotes.

Submission:

Labcorp Genetics (formerly Invitae), Labcorp
Classification: Uncertain significance for Dyskeratosis congenita. Last evaluated: 2022-07-26. Review status: criteria provided, single submitter. Criteria: Invitae Variant Classification Sherloc (09022015). Collection method: clinical testing. Allele origin: germline.
Comment: This sequence change replaces proline, which is neutral and non-polar, with glutamine, which is neutral and polar, at codon 750 of the CTC1 protein (p.Pro750Gln). This variant is present in population databases (no rsID available, gnomAD 0.006%). This variant has not been reported in the literature in individuals affected with CTC1-related conditions. ClinVar contains an entry for this variant (Variation ID: 1010366). Algorithms developed to predict the effect of missense changes on protein structure and function output the following: SIFT: "Tolerated"; PolyPhen-2: "Benign"; Align-GVGD: "Class C0". The glutamine amino acid residue is found in multiple mammalian species, which suggests that this missense change does not adversely affect protein function. In summary, the available evidence is currently insufficient to determine the role of this variant in disease. Therefore, it has been classified as a Variant of Uncertain Significance.